The following is an entry in ClinVar:

ClinVar aggregate classification (germline): Uncertain significance (1 of 4 stars; one submission).

Submission:

GeneDx
Classification: Uncertain significance. Last evaluated: 2025-03-21. Review status: criteria provided, single submitter. Criteria: GeneDx Variant Classification Process June 2021. Collection method: clinical testing. Allele origin: germline. Affected: yes.
Comment: Reported in an individual with a clinical diagnosis of Diamond-Blackfan anemia, although further patient-specific detail was not provided (PMID: 30503522); Not observed at significant frequency in large population cohorts (gnomAD); In silico analysis supports a deleterious effect on splicing; This variant is associated with the following publications: (PMID: 30503522)

NM_000975.5(RPL11):c.508-3C>A

Gene: RPL11 (ribosomal protein L11; plus strand). Cytogenetic location: 1p36.11.
Variant type: single nucleotide variant.
Coding change: c.508-3C>A on transcript NM_000975.5 (MANE Select); 3 bases into the intron before coding-DNA position 508, C replaced by A.
Molecular consequence: intron variant.
Genome position (GRCh38, 1-based): chr1:23,696,341, C>A. VCF-style: chr1-23696341-C-A. GRCh37 (hg19) VCF-style: chr1-24022831-C-A.
Other names: c.505-3C>A (NM_001199802.1).
Identifiers: ClinVar variation 4086452 (VCV004086452.1).